The following is an entry in ClinVar:

ClinVar aggregate classification (germline): Likely benign. Review status: criteria provided, multiple submitters, no conflicts (2 of 4 stars). 3 submissions from 3 submitters: Likely benign (2). 1 of the submissions does not count toward it. Last evaluated 2025-05-04.

Conditions:
DNAH5-related disorder. Also called: DNAH5-related condition.
Primary ciliary dyskinesia. Also called: Ciliary dyskinesia. Identifiers: Orphanet 244, MedGen C0008780, MONDO:0016575, HP:0012265.

Allele frequency attached by ClinVar (database versions not stated): ExAC 0.00002; gnomAD exomes 0.00004 and 0.00022; gnomAD 0.00006 and 0.00007; TOPMed 0.00008; ESP Exome Variant Server 0.00031.
gnomAD v4.1: 335 of 1,614,018 alleles (0.021%); highest among the groups gnomAD compares: Non-Finnish European, 0.027%; no homozygotes.

Submissions (3):

Labcorp Genetics (formerly Invitae), Labcorp
Classification: Likely benign for Primary ciliary dyskinesia. Last evaluated: 2025-05-04. Review status: criteria provided, single submitter. Criteria: Invitae Variant Classification Sherloc (09022015). Collection method: clinical testing. Allele origin: germline.

Ambry Genetics
Classification: Likely benign for Primary ciliary dyskinesia. Last evaluated: 2023-04-24. Review status: criteria provided, single submitter. Criteria: Ambry Variant Classification Scheme 2023. Collection method: clinical testing. Allele origin: germline.

PreventionGenetics, part of Exact Sciences
Classification: Likely benign for DNAH5-related condition. Last evaluated: 2023-11-30. Review status: no assertion criteria provided. Collection method: clinical testing. Allele origin: germline. Not counted in ClinVar's aggregate classification.
Comment: This variant is classified as likely benign based on ACMG/AMP sequence variant interpretation guidelines (Richards et al. 2015 PMID: 25741868, with internal and published modifications).

NM_001369.3(DNAH5):c.5676T>A (p.Ile1892=)

Gene: DNAH5 (dynein axonemal heavy chain 5; minus strand). Cytogenetic location: 5p15.2.
Variant type: single nucleotide variant.
Coding change: c.5676T>A on transcript NM_001369.3 (MANE Select); coding-DNA position 5676, T replaced by A.
Protein change: p.Ile1892=; no amino-acid change (isoleucine 1892 retained).
Molecular consequence: synonymous variant.
Genome position (GRCh38, 1-based): chr5:13,840,939, A>T on the plus strand (T>A on the coding strand, the complement: DNAH5 is on the minus strand). VCF-style: chr5-13840939-A-T. GRCh37 (hg19) VCF-style: chr5-13841048-A-T.
Other names: c.5676T>A (NM_001369.2).
Identifiers: ClinVar variation 1081470 (VCV001081470.13), dbSNP rs144828347, ClinGen allele CA3203610.
Genomic context (GRCh38, chr5:13,840,939, plus strand): 5'-ATGCCACAGCATTTATAAAGAATTTACCAGGTCATCAAAGATATCCCTTTGGTGCACATG[A>T]ATAGTAATCAGAGTCTCGTATTTCACTCGTTCCGTGGAACTCAGATCCCTCGTGGTGACG-3'
Protein context (NP_001360.1, residues 1882-1902): ERVKYETLIT[Ile1892=]HVHQRDIFDD